The following is an entry in ClinVar:

ClinVar aggregate classification (germline): Likely benign. Review status: criteria provided, multiple submitters, no conflicts (2 of 4 stars). 2 submissions from 2 submitters: Likely benign (2). Last evaluated 2026-04-01.

Conditions:
Combined immunodeficiency due to OX40 deficiency. Also called: Immunodeficiency 16; OX40 DEFICIENCY. Identifiers: Orphanet 431149, MedGen C3810053, MONDO:0014268, OMIM 615593.

Allele frequency attached by ClinVar (database versions not stated): gnomAD 0.00001 and 0.00003; ExAC 0.00003; TOPMed 0.00003; 1000 Genomes Project 30x 0.00047; 1000 Genomes Project 0.00060.
gnomAD v4.1: 14 of 1,611,112 alleles (0.00087%); highest among the groups gnomAD compares: African/African-American, 0.011%; no homozygotes.

Submissions (2):

CeGaT Center for Human Genetics Tuebingen
Classification: Likely benign. Last evaluated: 2026-04-01. Review status: criteria provided, single submitter. Criteria: CeGaT Center For Human Genetics Tuebingen Variant Classification Criteria Version 2. Collection method: clinical testing. Allele origin: germline. Affected: yes. Observed: 1 variant allele.
Comment: TNFRSF4: BP4, BP7

Labcorp Genetics (formerly Invitae), Labcorp
Classification: Likely benign for Combined immunodeficiency due to OX40 deficiency. Last evaluated: 2025-10-22. Review status: criteria provided, single submitter. Criteria: Invitae Variant Classification Sherloc (09022015). Collection method: clinical testing. Allele origin: germline.

NM_003327.4(TNFRSF4):c.300G>C (p.Thr100=)

Gene: TNFRSF4 (TNF receptor superfamily member 4; minus strand). Cytogenetic location: 1p36.33.
Variant type: single nucleotide variant.
Coding change: c.300G>C on transcript NM_003327.4 (MANE Select); coding-DNA position 300, G replaced by C.
Protein change: p.Thr100=; no amino-acid change (threonine 100 retained).
Molecular consequence: synonymous variant.
Genome position (GRCh38, 1-based): chr1:1,213,062, C>G on the plus strand (G>C on the coding strand, the complement: TNFRSF4 is on the minus strand). VCF-style: chr1-1213062-C-G. GRCh37 (hg19) VCF-style: chr1-1148442-C-G.
Identifiers: ClinVar variation 1130525 (VCV001130525.11), dbSNP rs184488968, ClinGen allele CA512535.